The following is an entry in ClinVar:

ClinVar aggregate classification (germline): Uncertain significance. Review status: criteria provided, multiple submitters, no conflicts (2 of 4 stars). 2 submissions from 2 submitters: Uncertain significance (2). Last evaluated 2022-08-10.

Conditions:
Joubert syndrome 20 (JBTS20). Identifiers: Orphanet 475, MedGen C3554235, MONDO:0013994, OMIM 614970.
Meckel syndrome, type 11 (MKS11). Identifiers: Orphanet 564, MedGen C3809352, MONDO:0014164, OMIM 615397.

Allele frequency attached by ClinVar (database versions not stated): gnomAD exomes 0.00002; gnomAD 0.00009; TOPMed 0.00011; ExAC 0.00013.
gnomAD v4.1: 29 of 1,575,356 alleles (0.0018%); highest among the groups gnomAD compares: African/African-American, 0.023%; no homozygotes.

Submissions (2):

Labcorp Genetics (formerly Invitae), Labcorp
Classification: Uncertain significance for Joubert syndrome 20; Meckel syndrome, type 11. Last evaluated: 2022-08-10. Review status: criteria provided, single submitter. Criteria: Invitae Variant Classification Sherloc (09022015). Collection method: clinical testing. Allele origin: germline.
Comment: This sequence change replaces proline, which is neutral and non-polar, with leucine, which is neutral and non-polar, at codon 51 of the TMEM231 protein (p.Pro51Leu). The frequency data for this variant in the population databases is considered unreliable, as metrics indicate poor data quality at this position in the gnomAD database. This variant has not been reported in the literature in individuals affected with TMEM231-related conditions. ClinVar contains an entry for this variant (Variation ID: 1422784). Algorithms developed to predict the effect of missense changes on protein structure and function are either unavailable or do not agree on the potential impact of this missense change (SIFT: "Deleterious"; PolyPhen-2: "Not Available"; Align-GVGD: "Class C0"). In summary, the available evidence is currently insufficient to determine the role of this variant in disease. Therefore, it has been classified as a Variant of Uncertain Significance.

Blueprint Genetics
Classification: Uncertain significance. Last evaluated: 2018-08-17. Review status: criteria provided, single submitter. Criteria: ACMG Guidelines, 2015. Collection method: clinical testing. Allele origin: germline.

NM_001077418.3(TMEM231):c.90C>T (p.Ala30=)

Gene: TMEM231 (transmembrane protein 231; minus strand). Cytogenetic location: 16q23.1.
Variant type: single nucleotide variant.
Coding change: c.90C>T on transcript NM_001077418.3 (MANE Select); coding-DNA position 90, C replaced by T.
Protein change: p.Ala30=; no amino-acid change (alanine 30 retained).
Molecular consequence: synonymous variant. On other transcripts: missense variant (1), non-coding transcript variant (1).
Genome position (GRCh38, 1-based): chr16:75,556,120, G>A on the plus strand (C>T on the coding strand, the complement: TMEM231 is on the minus strand). VCF-style: chr16-75556120-G-A. GRCh37 (hg19) VCF-style: chr16-75590018-G-A.
Other names: c.152C>T, p.Pro51Leu (NM_001077416.2); short protein forms P51L.
Identifiers: ClinVar variation 1422784 (VCV001422784.4), dbSNP rs758878104, ClinGen allele CA8176307.